The following is an entry in ClinVar:

ClinVar aggregate classification (germline): Likely benign (1 of 4 stars; one submission).

Allele frequency attached by ClinVar (database versions not stated): ExAC 0.00002; TOPMed 0.00002; gnomAD exomes 0.00003.
gnomAD v4.1: 36 of 1,612,598 alleles (0.0022%); highest among the groups gnomAD compares: Middle Eastern, 0.017%; 1 homozygote.

Submission:

CeGaT Center for Human Genetics Tuebingen
Classification: Likely benign. Last evaluated: 2023-03-01. Review status: criteria provided, single submitter. Criteria: CeGaT Center For Human Genetics Tuebingen Variant Classification Criteria Version 2. Collection method: clinical testing. Allele origin: germline. Affected: yes. Observed: 1 variant allele.
Comment: INF2: BP4

NM_022489.4(INF2):c.2750G>A (p.Arg917Gln)

Gene: INF2 (inverted formin 2; plus strand). Cytogenetic location: 14q32.33.
Variant type: single nucleotide variant.
Coding change: c.2750G>A on transcript NM_022489.4 (MANE Select); coding-DNA position 2750, G replaced by A.
Protein change: p.Arg917Gln; replaces arginine 917 with glutamine.
Molecular consequence: missense variant.
Genome position (GRCh38, 1-based): chr14:104,712,967, G>A. VCF-style: chr14-104712967-G-A. GRCh37 (hg19) VCF-style: chr14-105179304-G-A.
Other names: c.2750G>A, p.Arg917Gln (NM_001031714.4); short protein forms R917Q.
Identifiers: ClinVar variation 2644617 (VCV002644617.24), dbSNP rs746624312, ClinGen allele CA7373054.